The following is an entry in ClinVar:

ClinVar aggregate classification (germline): Likely benign. Review status: criteria provided, multiple submitters, no conflicts (2 of 4 stars). 2 submissions from 2 submitters: Likely benign (2). Last evaluated 2025-02-18.

Conditions:
Fanconi anemia complementation group O. Also called: RAD51C-Related Fanconi Anemia. Identifiers: Orphanet 84, MedGen C3150653, MONDO:0013248, OMIM 613390.
Breast-ovarian cancer, familial, susceptibility to, 3. Also called: RAD51C-Related Breast/Ovarian Cancer. Identifiers: Orphanet 145, MedGen C3150659, MONDO:0013253, OMIM 613399.

Submissions (2):

Myriad Genetics, Inc.
Classification: Likely benign for Breast-ovarian cancer, familial, susceptibility to, 3. Last evaluated: 2025-02-18. Review status: criteria provided, single submitter. Criteria: Myriad Autosomal Dominant, Autosomal Recessive and X-Linked Classification Criteria (2023). Collection method: clinical testing. Allele origin: unknown.
Comment: This variant is considered likely benign. This variant is intronic and is not expected to impact mRNA splicing.

Labcorp Genetics (formerly Invitae), Labcorp
Classification: Likely benign for Fanconi anemia complementation group O. Last evaluated: 2023-10-18. Review status: criteria provided, single submitter. Criteria: Invitae Variant Classification Sherloc (09022015). Collection method: clinical testing. Allele origin: germline.

NM_058216.3(RAD51C):c.572-8T>C

Gene: RAD51C (RAD51 paralog C; plus strand). Cytogenetic location: 17q22.
Variant type: single nucleotide variant.
Coding change: c.572-8T>C on transcript NM_058216.3 (MANE Select); 8 bases into the intron before coding-DNA position 572, T replaced by C.
Molecular consequence: intron variant.
Genome position (GRCh38, 1-based): chr17:58,703,188, T>C. VCF-style: chr17-58703188-T-C. GRCh37 (hg19) VCF-style: chr17-56780549-T-C.
Identifiers: ClinVar variation 1633869 (VCV001633869.9), dbSNP rs2143796223, ClinGen allele CA2573154396.